The following is an entry in ClinVar:

NM_006915.3(RP2):c.764A>G (p.Asp255Gly)

Gene: RP2 (RP2 activator of ARL3 GTPase; plus strand). Cytogenetic location: Xp11.3.
Variant type: single nucleotide variant.
Coding change: c.764A>G on transcript NM_006915.3 (MANE Select); coding-DNA position 764, A replaced by G.
Protein change: p.Asp255Gly; replaces aspartic acid 255 with glycine.
Molecular consequence: missense variant.
Genome position (GRCh38, 1-based): chrX:46,854,137, A>G. VCF-style: chrX-46854137-A-G. GRCh37 (hg19) VCF-style: chrX-46713572-A-G.
Other names: short protein forms D255G.
Identifiers: ClinVar variation 1463730 (VCV001463730.8), dbSNP rs2147081603, ClinGen allele CA413040663.
Genomic context (GRCh38, chrX:46,854,137, plus strand): 5'-CATGCTTAGTGGTATTATTTGCTGGTGATTACACTATTGCAAATGCCAGAAAACTAATTG[A>G]TGAGGTAAGGAGAAAGAGAAGAGAAATAGTCATACACCTAGATTTAAAAATGTACCACTC-3'
Protein context (NP_008846.2, residues 245-265): YTIANARKLI[Asp255Gly]EMVGKGFFLV

ClinVar aggregate classification (germline): Uncertain significance (1 of 4 stars; one submission).

Submission:

Labcorp Genetics (formerly Invitae), Labcorp
Classification: Uncertain significance. Last evaluated: 2022-03-10. Review status: criteria provided, single submitter. Criteria: Invitae Variant Classification Sherloc (09022015). Collection method: clinical testing. Allele origin: germline.
Comment: This variant is not present in population databases (gnomAD no frequency). This variant has not been reported in the literature in individuals affected with RP2-related conditions. Algorithms developed to predict the effect of missense changes on protein structure and function (SIFT, PolyPhen-2, Align-GVGD) all suggest that this variant is likely to be tolerated. Algorithms developed to predict the effect of sequence changes on RNA splicing suggest that this variant may create or strengthen a splice site. In summary, the available evidence is currently insufficient to determine the role of this variant in disease. Therefore, it has been classified as a Variant of Uncertain Significance. This sequence change replaces aspartic acid, which is acidic and polar, with glycine, which is neutral and non-polar, at codon 255 of the RP2 protein (p.Asp255Gly).